The following is an entry in ClinVar:

ClinVar aggregate classification (germline): Likely benign. Review status: criteria provided, single submitter (1 of 4 stars). 2 submissions from 2 submitters: Likely benign (1). 1 of the submissions does not count toward it. Last evaluated 2025-12-02.

Conditions:
EGLN2-related disorder. Also called: EGLN2-related condition.

Allele frequency attached by ClinVar (database versions not stated): 1000 Genomes Project 0.00140; 1000 Genomes Project 30x 0.00156; ESP Exome Variant Server 0.00215.
gnomAD v4.1: 5,070 of 1,613,860 alleles (0.31%); highest among the groups gnomAD compares: South Asian, 0.5%; 19 homozygotes.

Submissions (2):

Mayo Clinic Laboratories, Mayo Clinic
Classification: Likely benign. Last evaluated: 2025-12-02. Review status: criteria provided, single submitter. Criteria: ACMG Guidelines, 2015. Collection method: clinical testing. Allele origin: germline. Observed: 3 variant alleles.
Comment: BP4, BP7

PreventionGenetics, part of Exact Sciences
Classification: Likely benign for EGLN2-related condition. Last evaluated: 2020-07-02. Review status: no assertion criteria provided. Collection method: clinical testing. Allele origin: germline. Not counted in ClinVar's aggregate classification.
Comment: This variant is classified as likely benign based on ACMG/AMP sequence variant interpretation guidelines (Richards et al. 2015 PMID: 25741868, with internal and published modifications).

NM_080732.4(EGLN2):c.964-7C>A

Genes: EGLN2 (egl-9 family hypoxia inducible factor 2; plus strand), RAB4B-EGLN2 (RAB4B-EGLN2 readthrough (NMD candidate); plus strand). Cytogenetic location: 19q13.2.
Variant type: single nucleotide variant.
Coding change: c.964-7C>A on transcript NM_080732.4 (MANE Select); 7 bases into the intron before coding-DNA position 964, C replaced by A.
Molecular consequence: intron variant.
Genome position (GRCh38, 1-based): chr19:40,807,131, C>A. VCF-style: chr19-40807131-C-A. GRCh37 (hg19) VCF-style: chr19-41313036-C-A.
Other names: p.?; c.964-7C>A (NM_053046.4).
Identifiers: ClinVar variation 3037812 (VCV003037812.3), dbSNP rs201777248, ClinGen allele CA9452387.